The following is an entry in ClinVar:

ClinVar aggregate classification (germline): Uncertain significance. Review status: criteria provided, multiple submitters, no conflicts (2 of 4 stars). 2 submissions from 2 submitters: Uncertain significance (2). Last evaluated 2025-10-20.

Conditions:
Tuberous sclerosis 1 (TSC1). Identifiers: Orphanet 805, MedGen C1854465, MONDO:0008612, OMIM 191100.
Hereditary cancer-predisposing syndrome. Also called: Hereditary neoplastic syndrome; Hereditary Cancer Syndrome; Tumor predisposition; Neoplastic Syndromes, Hereditary. Identifiers: Orphanet 140162, MedGen C0027672, MeSH D009386, MONDO:0015356.

Allele frequency attached by ClinVar (database versions not stated): gnomAD exomes below 0.00001.
gnomAD v4.1: 1 of 1,614,216 alleles (0.000062%); highest among the groups gnomAD compares: Non-Finnish European, 0.000085%; no homozygotes.

Submissions (2):

Ambry Genetics
Classification: Uncertain significance for Hereditary cancer-predisposing syndrome. Last evaluated: 2025-10-20. Review status: criteria provided, single submitter. Criteria: Ambry Variant Classification Scheme 2023. Collection method: clinical testing. Allele origin: germline.
Comment: The p.G599E variant (also known as c.1796G>A), located in coding exon 13 of the TSC1 gene, results from a G to A substitution at nucleotide position 1796. The glycine at codon 599 is replaced by glutamic acid, an amino acid with similar properties. This amino acid position is conserved. In addition, the in silico prediction for this alteration is inconclusive. Based on the available evidence, the clinical significance of this variant remains unclear.

Labcorp Genetics (formerly Invitae), Labcorp
Classification: Uncertain significance for Tuberous sclerosis 1. Last evaluated: 2024-03-09. Review status: criteria provided, single submitter. Criteria: Invitae Variant Classification Sherloc (09022015). Collection method: clinical testing. Allele origin: germline.
Comment: This sequence change replaces glycine, which is neutral and non-polar, with glutamic acid, which is acidic and polar, at codon 599 of the TSC1 protein (p.Gly599Glu). This variant is not present in population databases (gnomAD no frequency). This variant has not been reported in the literature in individuals affected with TSC1-related conditions. ClinVar contains an entry for this variant (Variation ID: 968733). Advanced modeling of protein sequence and biophysical properties (such as structural, functional, and spatial information, amino acid conservation, physicochemical variation, residue mobility, and thermodynamic stability) performed at Invitae indicates that this missense variant is not expected to disrupt TSC1 protein function with a negative predictive value of 95%. In summary, the available evidence is currently insufficient to determine the role of this variant in disease. Therefore, it has been classified as a Variant of Uncertain Significance.

NM_000368.5(TSC1):c.1796G>A (p.Gly599Glu)

Gene: TSC1 (TSC complex subunit 1; minus strand). Cytogenetic location: 9q34.13.
Variant type: single nucleotide variant.
Coding change: c.1796G>A on transcript NM_000368.5 (MANE Select); coding-DNA position 1796, G replaced by A.
Protein change: p.Gly599Glu; replaces glycine 599 with glutamic acid.
Molecular consequence: missense variant.
Genome position (GRCh38, 1-based): chr9:132,905,782, C>T on the plus strand (G>A on the coding strand, the complement: TSC1 is on the minus strand). VCF-style: chr9-132905782-C-T. GRCh37 (hg19) VCF-style: chr9-135781169-C-T.
Other names: c.1793G>A, p.Gly598Glu (NM_001162426.2); c.1643G>A, p.Gly548Glu (NM_001162427.2); c.1433G>A, p.Gly478Glu (NM_001362177.2); short protein forms G548E, G599E, G478E, G598E.
Identifiers: ClinVar variation 968733 (VCV000968733.12), dbSNP rs1845622314, ClinGen allele CA375363457.